The following is an entry in ClinVar:

NM_001378454.1(ALMS1):c.2296C>A (p.Gln766Lys)

Gene: ALMS1 (ALMS1 centrosome and basal body associated protein; plus strand). Cytogenetic location: 2p13.1.
Variant type: single nucleotide variant.
Coding change: c.2296C>A on transcript NM_001378454.1 (MANE Select); coding-DNA position 2296, C replaced by A.
Protein change: p.Gln766Lys; replaces glutamine 766 with lysine.
Molecular consequence: missense variant.
Genome position (GRCh38, 1-based): chr2:73,448,823, C>A. VCF-style: chr2-73448823-C-A. GRCh37 (hg19) VCF-style: chr2-73675950-C-A.
Other names: c.2299C>A, p.Gln767Lys (NM_015120.4); short protein forms Q767K, Q766K.
Identifiers: ClinVar variation 551081 (VCV000551081.8), dbSNP rs377000488, ClinGen allele CA1713320.
Genomic context (GRCh38, chr2:73,448,823, plus strand): 5'-ACTCCTGGACCAGCTGACCAGAAGACTGAGATACCAGCAGTACAGTCTAGTTCTTACTCA[C>A]AAAGAGAAAAGCCTAGTATTTTGTACCCACAGGACTTAGCAGACAGTCATCTACCTGAAG-3'
Protein context (NP_001365383.1, residues 756-776): IPAVQSSSYS[Gln766Lys]REKPSILYPQ

ClinVar aggregate classification (germline): Conflicting classifications of pathogenicity. Review status: criteria provided, conflicting classifications (1 of 4 stars). 4 submissions from 4 submitters: Uncertain significance (2); Likely benign (1). 1 of the submissions does not count toward it. Last evaluated 2025-01-22.

Conditions:
Cardiovascular phenotype. Identifiers: MedGen CN230736.
Alstrom syndrome (ALMS). Identifiers: Orphanet 64, MedGen C0268425, MONDO:0008763, OMIM 203800.

Allele frequency attached by ClinVar (database versions not stated): ExAC 0.00001; gnomAD 0.00001; TOPMed 0.00002; gnomAD exomes 0.00003; ESP Exome Variant Server 0.00008.
gnomAD v4.1: 46 of 1,613,864 alleles (0.0029%); highest among the groups gnomAD compares: Admixed American, 0.0033%; no homozygotes.

Submissions (4):

Ambry Genetics
Classification: Likely benign for Cardiovascular phenotype. Last evaluated: 2025-01-22. Review status: criteria provided, single submitter. Criteria: Ambry Variant Classification Scheme 2023. Collection method: clinical testing. Allele origin: germline.

Labcorp Genetics (formerly Invitae), Labcorp
Classification: Uncertain significance for Alstrom syndrome. Last evaluated: 2025-01-06. Review status: criteria provided, single submitter. Criteria: Invitae Variant Classification Sherloc (09022015). Collection method: clinical testing. Allele origin: germline.
Comment: This sequence change replaces glutamine, which is neutral and polar, with lysine, which is basic and polar, at codon 767 of the ALMS1 protein (p.Gln767Lys). This variant is present in population databases (rs377000488, gnomAD 0.005%). This variant has not been reported in the literature in individuals affected with ALMS1-related conditions. ClinVar contains an entry for this variant (Variation ID: 551081). An algorithm developed to predict the effect of missense changes on protein structure and function outputs the following: PolyPhen-2: "Not Available". The lysine amino acid residue is found in multiple mammalian species, which suggests that this missense change does not adversely affect protein function. In summary, the available evidence is currently insufficient to determine the role of this variant in disease. Therefore, it has been classified as a Variant of Uncertain Significance.

Blueprint Genetics
Classification: Uncertain significance. Last evaluated: 2022-01-25. Review status: criteria provided, single submitter. Criteria: ACMG Guidelines, 2015. Collection method: clinical testing. Allele origin: germline.

Counsyl
Classification: Uncertain significance for Alstrom syndrome. Last evaluated: 2017-03-10. Review status: no assertion criteria provided. Collection method: clinical testing. Allele origin: unknown. Not counted in ClinVar's aggregate classification.

Literature cited by the submitters: PubMed 25846608 (cited by Ambry Genetics).